The following is an entry in ClinVar:

ClinVar aggregate classification (germline): Conflicting classifications of pathogenicity. Review status: criteria provided, conflicting classifications (1 of 4 stars). 3 submissions from 3 submitters: Uncertain significance (2); Likely benign (1). Last evaluated 2023-10-01.

Conditions:
Inborn genetic diseases. Identifiers: MedGen C0950123, MeSH D030342.
Retinal dystrophy. Also called: Inherited retinal dystrophy. Identifiers: Orphanet 71862, MedGen C0854723, MeSH D058499, MONDO:0019118, HP:0000556.

Allele frequency attached by ClinVar (database versions not stated): gnomAD 0.00001 and 0.00002; TOPMed 0.00001; ExAC 0.00002; gnomAD exomes 0.00002 and 0.00004; 1000 Genomes Project 30x 0.00016; 1000 Genomes Project 0.00020.

Submissions (3):

Dept Of Ophthalmology, Nagoya University
Classification: Likely benign for Retinal dystrophy. Last evaluated: 2023-10-01. Review status: criteria provided, single submitter. Criteria: Submitter's publication. Collection method: research. Allele origin: germline. Affected: yes.

Labcorp Genetics (formerly Invitae), Labcorp
Classification: Uncertain significance. Last evaluated: 2022-09-29. Review status: criteria provided, single submitter. Criteria: Invitae Variant Classification Sherloc (09022015). Collection method: clinical testing. Allele origin: germline.
Comment: ClinVar contains an entry for this variant (Variation ID: 1464500). This variant has not been reported in the literature in individuals affected with PDE6B-related conditions. This variant is present in population databases (rs190999087, gnomAD 0.03%). This sequence change replaces tyrosine, which is neutral and polar, with phenylalanine, which is neutral and non-polar, at codon 267 of the PDE6B protein (p.Tyr267Phe). In summary, the available evidence is currently insufficient to determine the role of this variant in disease. Therefore, it has been classified as a Variant of Uncertain Significance. Advanced modeling of protein sequence and biophysical properties (such as structural, functional, and spatial information, amino acid conservation, physicochemical variation, residue mobility, and thermodynamic stability) performed at Invitae indicates that this missense variant is not expected to disrupt PDE6B protein function.

Ambry Genetics
Classification: Uncertain significance for Inborn genetic diseases. Last evaluated: 2022-07-26. Review status: criteria provided, single submitter. Criteria: Ambry Variant Classification Scheme 2023. Collection method: clinical testing. Allele origin: germline.

NM_000283.4(PDE6B):c.800A>T (p.Tyr267Phe)

Genes: PDE6B (phosphodiesterase 6B; plus strand), PDE6B-AS1 (PDE6B antisense RNA 1; minus strand). Cytogenetic location: 4p16.3.
Variant type: single nucleotide variant.
Coding change: c.800A>T on transcript NM_000283.4 (MANE Select); coding-DNA position 800, A replaced by T.
Protein change: p.Tyr267Phe; replaces tyrosine 267 with phenylalanine.
Molecular consequence: missense variant. On other transcripts: 5 prime UTR variant (5).
Genome position (GRCh38, 1-based): chr4:653,940, A>T. VCF-style: chr4-653940-A-T. GRCh37 (hg19) VCF-style: chr4-647729-A-T.
Other names: c.800A>T, p.Tyr267Phe (NM_001145291.2); c.-38A>T (NM_001145292.2, NM_001350154.3, NM_001379246.1 and 1 more transcripts); c.-241A>T (NM_001350155.3); c.800A>T (NM_000283.3); short protein forms Y267F.
Identifiers: ClinVar variation 1464500 (VCV001464500.8), dbSNP rs190999087, ClinGen allele CA2794123.